The following is an entry in ClinVar:

NM_000069.3(CACNA1S):c.583C>T (p.Pro195Ser)

Gene: CACNA1S (calcium voltage-gated channel subunit alpha1 S; minus strand). Cytogenetic location: 1q32.1.
Variant type: single nucleotide variant.
Coding change: c.583C>T on transcript NM_000069.3 (MANE Select); coding-DNA position 583, C replaced by T.
Protein change: p.Pro195Ser; replaces proline 195 with serine.
Molecular consequence: missense variant.
Genome position (GRCh38, 1-based): chr1:201,091,751, G>A on the plus strand (C>T on the coding strand, the complement: CACNA1S is on the minus strand). VCF-style: chr1-201091751-G-A. GRCh37 (hg19) VCF-style: chr1-201060879-G-A.
Other names: short protein forms P195S.
Identifiers: ClinVar variation 3070587 (VCV003070587.1), dbSNP rs2464623934, ClinGen allele CA344140474.

ClinVar aggregate classification (germline): Uncertain significance (1 of 4 stars; one submission).

Conditions:
Malignant hyperthermia, susceptibility to, 5 (MHS5). Also called: CACNA1S-Related Malignant Hyperthermia Susceptibility. Identifiers: Orphanet 423, MedGen C1866077, MONDO:0011163, OMIM 601887.

Allele frequency attached by ClinVar (database versions not stated): gnomAD exomes below 0.00001.
gnomAD v4.1: 3 of 1,614,110 alleles (0.00019%); highest among the groups gnomAD compares: South Asian, 0.0022%; no homozygotes.

Submission:

All of Us Research Program, National Institutes of Health
Classification: Uncertain significance for Malignant hyperthermia, susceptibility to, 5. Last evaluated: 2023-12-01. Review status: criteria provided, single submitter. Criteria: ACMG Guidelines, 2015. Collection method: clinical testing. Allele origin: germline. Inheritance: Autosomal dominant inheritance. Observed: 2 variant alleles, 2 heterozygotes.
Comment: This study involves interpretation of variants in research participants for the purpose of population health screening. Participant phenotype was not available at the time of variant classification. Additional details can be found in publication PMID: 35346344, PMCID: PMC8962531